The following is an entry in ClinVar:

ClinVar aggregate classification (germline): Pathogenic/Likely pathogenic. Review status: criteria provided, multiple submitters, no conflicts (2 of 4 stars). 8 submissions from 8 submitters: Pathogenic (5); Likely pathogenic (2). 1 of the submissions does not count toward it. Last evaluated 2024-11-15.

Conditions:
Intellectual developmental disorder, autosomal dominant 6, with or without seizures. Also called: Intellectual disability, autosomal dominant 6; GRIN2B-related developmental delay, intellectual disability and autism spectrum disorder. Identifiers: Orphanet 589547, MedGen C3151411, MONDO:0013509, OMIM 613970.
Intellectual disability. Also called: intellectual disabilities; Intellectual functioning disability; Intellectual developmental disorder. Identifiers: MedGen C3714756, MeSH D008607, MONDO:0001071, HP:0001249.
Developmental and epileptic encephalopathy, 27 (DEE27). Also called: GRIN2B-Related Neurodevelopmental Disorder; Epileptic encephalopathy, early infantile, 27. Identifiers: Orphanet 3451, MedGen C4015316, MONDO:0014505, OMIM 616139.
Astigmatism. Identifiers: MedGen C0004106, MONDO:0011284, OMIM 603047, HP:0000483.
Delayed speech and language development. Also called: Language delay. Identifiers: MedGen C0454644, HP:0000750.
Long fingers. Identifiers: MedGen C1858091, HP:0100807.
Joint hypermobility. Also called: Joint hyperflexibility. Identifiers: MedGen C1862377, HP:0001382.
Motor delay. Also called: Motor retardation; Motor Developmental Delay. Identifiers: MedGen C1854301, HP:0001270.
GRIN2B-related disorder. Also called: GRIN2B-related condition.

Submissions (8):

3billion
Classification: Pathogenic for Developmental and epileptic encephalopathy, 27. Last evaluated: 2024-11-15. Review status: criteria provided, single submitter. Criteria: ACMG Guidelines, 2015. Collection method: clinical testing. Allele origin: germline. Affected: yes.
Comment: The variant is not observed in the gnomAD v4.1.0 dataset. Predicted Consequence/Location: Missense variant In silico tool predictions suggest damaging effect of the variant on gene or gene product [REVEL: 0.72 (>=0.6, sensitivity 0.68 and specificity 0.92); 3Cnet: 0.99 (>=0.6, sensitivity 0.72 and precision 0.9)]. The same nucleotide change resulting in the same amino acid change has been previously reported as pathogenic/likely pathogenic with strong evidence (ClinVar ID: VCV000373930 /PMID: 34160719). The variant has been previously reported as de novo in a similarly affected individual (PMID: 34160719). A different missense change at the same codon (p.Asp668Tyr) has been reported as pathogenic/likely pathogenic with strong evidence (ClinVar ID: VCV000234668 /PMID: 28377535). Therefore, this variant is classified as Pathogenic according to the recommendation of ACMG/AMP guideline.

Institute of Human Genetics Munich, TUM University Hospital
Classification: Pathogenic for Intellectual developmental disorder, autosomal dominant 6, with or without seizures. Last evaluated: 2024-08-13. Review status: criteria provided, single submitter. Criteria: Classification criteria August 2017. Collection method: clinical testing. Allele origin: de novo. Inheritance: Autosomal dominant inheritance. Affected: yes. Observed: 1 variant allele.

Labcorp Genetics (formerly Invitae), Labcorp
Classification: Pathogenic for Developmental and epileptic encephalopathy, 27; Intellectual developmental disorder, autosomal dominant 6, with or without seizures. Last evaluated: 2022-10-13. Review status: criteria provided, single submitter. Criteria: Invitae Variant Classification Sherloc (09022015). Collection method: clinical testing. Allele origin: germline.
Comment: For these reasons, this variant has been classified as Pathogenic. This variant disrupts the p.Asp668 amino acid residue in GRIN2B. Other variant(s) that disrupt this residue have been observed in individuals with GRIN2B-related conditions (PMID: 28377535; Invitae), which suggests that this may be a clinically significant amino acid residue. Advanced modeling of protein sequence and biophysical properties (such as structural, functional, and spatial information, amino acid conservation, physicochemical variation, residue mobility, and thermodynamic stability) performed at Invitae indicates that this missense variant is expected to disrupt GRIN2B protein function. ClinVar contains an entry for this variant (Variation ID: 373930). This missense change has been observed in individual(s) with Rolandic epilepsy (PMID: 34160719). In at least one individual the variant was observed to be de novo. This variant is not present in population databases (gnomAD no frequency). This sequence change replaces aspartic acid, which is acidic and polar, with asparagine, which is neutral and polar, at codon 668 of the GRIN2B protein (p.Asp668Asn).

GeneDx
Classification: Pathogenic. Last evaluated: 2022-03-25. Review status: criteria provided, single submitter. Criteria: GeneDx Variant Classification Process June 2021. Collection method: clinical testing. Allele origin: germline. Affected: yes.
Comment: Not observed in large population cohorts (gnomAD); In silico analysis, which includes protein predictors and evolutionary conservation, supports a deleterious effect; This variant is associated with the following publications: (PMID: 27839871, 27535533, 34160719)

Blueprint Genetics
Classification: Pathogenic for GRIN2B-related disorders. Last evaluated: 2021-09-04. Review status: criteria provided, single submitter. Criteria: ACMG Guidelines, 2015. Collection method: clinical testing. Allele origin: germline. Affected: yes. Observed: 1 variant allele.

Cambridge Genomics Laboratory, East Genomic Laboratory Hub, NHS Genomic Medicine Service
Classification: Likely pathogenic for Intellectual disability. Last evaluated: 2019-04-15. Review status: criteria provided, single submitter. Criteria: ACGS Best Practice Guidelines for Variant Classification in Rare Disease 2020. Collection method: clinical testing. Allele origin: germline. Affected: yes. Observed: 1 variant allele.

Genetic Services Laboratory, University of Chicago
Classification: Likely pathogenic for Epileptic encephalopathy, early infantile, 27. Last evaluated: 2016-10-11. Review status: criteria provided, single submitter. Criteria: ACMG Guidelines, 2015. Collection method: clinical testing. Allele origin: germline. Affected: yes.

Centre for Mendelian Genomics, University Medical Centre Ljubljana
Classification: Pathogenic for Astigmatism; Delayed speech and language development; Joint hypermobility; Long fingers; Motor delay. Last evaluated: 2016-03-09. Review status: no assertion criteria provided. Collection method: clinical testing. Allele origin: unknown. Affected: yes. Not counted in ClinVar's aggregate classification.

Literature cited by the submitters: PubMed 34160719 (cited by 3billion and Labcorp Genetics (formerly Invitae), Labcorp); PubMed 28377535 (cited by 3billion and Labcorp Genetics (formerly Invitae), Labcorp).

NM_000834.5(GRIN2B):c.2002G>A (p.Asp668Asn)

Gene: GRIN2B (glutamate ionotropic receptor NMDA type subunit 2B; minus strand). Cytogenetic location: 12p13.1.
Variant type: single nucleotide variant.
Coding change: c.2002G>A on transcript NM_000834.5 (MANE Select); coding-DNA position 2002, G replaced by A.
Protein change: p.Asp668Asn; replaces aspartic acid 668 with asparagine.
Molecular consequence: missense variant.
Genome position (GRCh38, 1-based): chr12:13,608,611, C>T on the plus strand (G>A on the coding strand, the complement: GRIN2B is on the minus strand). VCF-style: chr12-13608611-C-T. GRCh37 (hg19) VCF-style: chr12-13761545-C-T.
Other names: short protein forms D668N.
Identifiers: ClinVar variation 373930 (VCV000373930.26), dbSNP rs876661151, ClinGen allele CA16043467.